The following is an entry in ClinVar:

NM_001277115.2(DNAH11):c.10637C>T (p.Thr3546Met)

Gene: DNAH11 (dynein axonemal heavy chain 11; plus strand). Cytogenetic location: 7p15.3.
Variant type: single nucleotide variant.
Coding change: c.10637C>T on transcript NM_001277115.2 (MANE Select); coding-DNA position 10637, C replaced by T.
Protein change: p.Thr3546Met; replaces threonine 3546 with methionine.
Molecular consequence: missense variant.
Genome position (GRCh38, 1-based): chr7:21,818,285, C>T. VCF-style: chr7-21818285-C-T. GRCh37 (hg19) VCF-style: chr7-21857903-C-T.
Other names: short protein forms T3546M.
Identifiers: ClinVar variation 567254 (VCV000567254.9), dbSNP rs374549012, ClinGen allele CA4182423.
Genomic context (GRCh38, chr7:21,818,285, plus strand): 5'-ATGCCATTGAAACTGCTTTGGCCTTTGGTGATGTCATCTTAATTGAAAATCTCGAGGAAA[C>T]GATAGATCCAGTCCTGGATCCACTACTTGGCAGGAACACAATTAAAAAAGGAAAGTAAGT-3'
Protein context (NP_001264044.1, residues 3536-3556): DVILIENLEE[Thr3546Met]IDPVLDPLLG

ClinVar aggregate classification (germline): Conflicting classifications of pathogenicity. Review status: criteria provided, conflicting classifications (1 of 4 stars). 3 submissions from 3 submitters: Uncertain significance (2); Benign (1). Last evaluated 2024-12-02.

Conditions:
Primary ciliary dyskinesia. Also called: Ciliary dyskinesia. Identifiers: Orphanet 244, MedGen C0008780, MONDO:0016575, HP:0012265.

Allele frequency attached by ClinVar (database versions not stated): gnomAD exomes 0.00008; ExAC 0.00009; gnomAD 0.00011; TOPMed 0.00012; ESP Exome Variant Server 0.00017; 1000 Genomes Project 0.00020; 1000 Genomes Project 30x 0.00031.
gnomAD v4.1: 92 of 1,611,784 alleles (0.0057%); highest among the groups gnomAD compares: Middle Eastern, 0.033%; 1 homozygote.

Submissions (3):

Labcorp Genetics (formerly Invitae), Labcorp
Classification: Benign for Primary ciliary dyskinesia. Last evaluated: 2024-12-02. Review status: criteria provided, single submitter. Criteria: Invitae Variant Classification Sherloc (09022015). Collection method: clinical testing. Allele origin: germline.

GeneDx
Classification: Uncertain significance. Last evaluated: 2024-05-29. Review status: criteria provided, single submitter. Criteria: GeneDx Variant Classification Process June 2021. Collection method: clinical testing. Allele origin: germline. Affected: yes.
Comment: In silico analysis supports that this missense variant has a deleterious effect on protein structure/function; Has not been previously published as pathogenic or benign to our knowledge

Ambry Genetics
Classification: Uncertain significance for Primary ciliary dyskinesia. Last evaluated: 2023-10-13. Review status: criteria provided, single submitter. Criteria: Ambry Variant Classification Scheme 2023. Collection method: clinical testing. Allele origin: germline.